The following is an entry in ClinVar:

ClinVar aggregate classification (germline): Pathogenic (1 of 4 stars; one submission).

Allele frequency attached by ClinVar (database versions not stated): gnomAD exomes below 0.00001; TOPMed below 0.00001.
gnomAD v4.1: 2 of 1,614,064 alleles (0.00012%); highest among the groups gnomAD compares: Non-Finnish European, 0.00017%; no homozygotes.

Submission:

Labcorp Genetics (formerly Invitae), Labcorp
Classification: Pathogenic. Last evaluated: 2022-10-13. Review status: criteria provided, single submitter. Criteria: Invitae Variant Classification Sherloc (09022015). Collection method: clinical testing. Allele origin: germline.
Comment: For these reasons, this variant has been classified as Pathogenic. This variant has not been reported in the literature in individuals affected with EYS-related conditions. This variant is not present in population databases (gnomAD no frequency). This sequence change creates a premature translational stop signal (p.Ser38*) in the EYS gene. It is expected to result in an absent or disrupted protein product. Loss-of-function variants in EYS are known to be pathogenic (PMID: 18836446, 20333770).

Literature cited by the submitters: PubMed 18836446; PubMed 20333770.

NM_001142800.2(EYS):c.113C>G (p.Ser38Ter)

Gene: EYS (EGF-like photoreceptor maintenance factor; minus strand). Cytogenetic location: 6q12.
Variant type: single nucleotide variant.
Coding change: c.113C>G on transcript NM_001142800.2 (MANE Select); coding-DNA position 113, C replaced by G.
Protein change: p.Ser38Ter; replaces serine 38 with a stop codon.
Molecular consequence: nonsense.
Genome position (GRCh38, 1-based): chr6:65,495,298, G>C on the plus strand (C>G on the coding strand, the complement: EYS is on the minus strand). VCF-style: chr6-65495298-G-C. GRCh37 (hg19) VCF-style: chr6-66205191-G-C.
Other names: c.113C>G, p.Ser38Ter (NM_001142801.2, NM_001292009.2, NM_198283.2); short protein forms S38*.
Identifiers: ClinVar variation 1999286 (VCV001999286.4), dbSNP rs1288767318, ClinGen allele CA364790624.
Genomic context (GRCh38, chr6:65,495,298, plus strand): 5'-CAGCAATCTCTGTAGAAGTCCAAGCAGATGTTTTCTGTTAGTGTCCAATTTACCACATAT[G>C]ATGAGGGTTGTGGATGCCATTCTTCCACCAATTGCCGTCTACATGTTTTTCCATTTATGA-3'